The following is an entry in ClinVar:

ClinVar aggregate classification (germline): Pathogenic (1 of 4 stars; one submission).

Conditions:
Hereditary cancer-predisposing syndrome. Also called: Tumor predisposition; Hereditary Cancer Syndrome; Hereditary neoplastic syndrome; Neoplastic Syndromes, Hereditary. Identifiers: Orphanet 140162, MedGen C0027672, MeSH D009386, MONDO:0015356.

Submission:

Ambry Genetics
Classification: Pathogenic for Hereditary cancer-predisposing syndrome. Last evaluated: 2026-01-12. Review status: criteria provided, single submitter. Criteria: Ambry Variant Classification Scheme 2023. Collection method: clinical testing. Allele origin: germline.
Comment: The c.1823delA pathogenic mutation, located in coding exon 11 of the SMARCA4 gene, results from a deletion of one nucleotide at position 1823, causing a translational frameshift with a predicted alternate stop codon (p.E608Gfs*5). This variant was not reported in population-based cohorts in the Genome Aggregation Database (gnomAD). This alteration is expected to result in loss of function by premature protein truncation or nonsense-mediated mRNA decay. Loss-of-function variants in SMARCA4 are known to cause rhabdoid tumor predisposition syndrome including small cell carcinoma of the ovary-hypercalcemic type (SCCOHT); however, such associations with neurodevelopmental disorders are exceedingly rare (Kosho T et al. Am J Med Genet C Semin Med Genet. 2014 Sep;166C(3):262-75; Jelinic P et al. Nat Genet. 2014 May;46(5):424-6). Based on the supporting evidence, this alteration is pathogenic for rhabdoid tumor predisposition syndrome; however, the association of this alteration with Coffin-Siris syndrome is unlikely.

NM_003072.5(SMARCA4):c.1823del (p.Glu608fs)

Gene: SMARCA4 (SWI/SNF related BAF chromatin remodeling complex subunit ATPase 4; plus strand). Cytogenetic location: 19p13.2.
Variant type: Deletion.
Coding change: c.1823del on transcript NM_003072.5 (MANE Select); coding-DNA position 1823, one base deleted (A; older notation c.1823delA).
Protein change: p.Glu608fs; shifts the reading frame from glutamic acid 608.
Molecular consequence: frameshift variant. On other transcripts: non-coding transcript variant (1).
Genome position (GRCh38, 1-based): chr19:11,003,039, A deleted. VCF-style (leftmost placement, unchanged base first): chr19-11003038-GA-G. GRCh37 (hg19) VCF-style: chr19-11113714-GA-G.
Other names: c.1823del, p.Glu608fs (NM_001128844.3, NM_001128845.2, NM_001128846.2 and 5 more transcripts); c.1823delA, p.Glu608Glyfs (NM_001411150.1); short protein forms E608fs.
Identifiers: ClinVar variation 1780799 (VCV001780799.3), dbSNP rs2514448687, ClinGen allele CA2580096284.
Genomic context (GRCh38, chr19:11,003,038, plus strand): 5'-TTGGTCTGGAGGCCCTGCAACCTCAGTGTCACACGAATGACTCTTTTTCAGCCTCTGGAC[GA>G]GACCAGCCAGATGAGCGACCTCCCGGTGAAGGTGATCCACGTGGAGAGTGGGAAGATCCT-3'